The following is an entry in ClinVar:

ClinVar aggregate classification (germline): Conflicting classifications of pathogenicity. Review status: criteria provided, conflicting classifications (1 of 4 stars). 7 submissions from 7 submitters: Uncertain significance (6); Likely benign (1). Last evaluated 2025-12-20.

Conditions:
Cardiovascular phenotype. Identifiers: MedGen CN230736.
Familial isolated arrhythmogenic right ventricular dysplasia. Identifiers: Orphanet 217656, MedGen C4274968, MONDO:0016342.
Cardiomyopathy (CMYO). Also called: Cardiomyopathies. Identifiers: Orphanet 167848, MedGen C0878544, MONDO:0004994, HP:0001638. Inheritance: Various modes of inheritance.
Arrhythmogenic right ventricular dysplasia 11. Also called: Arrhythmogenic right ventricular dysplasia 11 with mild palmoplantar keratoderma and woolly hair; Arrhythmogenic Right Ventricular Dysplasia/Cardiomyopathy11; ARRHYTHMOGENIC RIGHT VENTRICULAR DYSPLASIA, FAMILIAL, 11. Identifiers: MedGen C1864850, MONDO:0012506, OMIM 610476.

Allele frequency attached by ClinVar (database versions not stated): TOPMed 0.00002; ESP Exome Variant Server 0.00008.
gnomAD v4.1: 140 of 1,613,784 alleles (0.0087%); highest among the groups gnomAD compares: Non-Finnish European, 0.011%; no homozygotes.

Submissions (7):

Labcorp Genetics (formerly Invitae), Labcorp
Classification: Uncertain significance for Arrhythmogenic right ventricular dysplasia 11. Last evaluated: 2025-12-20. Review status: criteria provided, single submitter. Criteria: Invitae Variant Classification Sherloc (09022015). Collection method: clinical testing. Allele origin: germline.
Comment: This sequence change replaces aspartic acid, which is acidic and polar, with glutamic acid, which is acidic and polar, at codon 569 of the DSC2 protein (p.Asp569Glu). This variant is present in population databases (rs201517977, gnomAD 0.01%). This variant has not been reported in the literature in individuals affected with DSC2-related conditions. ClinVar contains an entry for this variant (Variation ID: 191621). Invitae Evidence Modeling of protein sequence and biophysical properties (such as structural, functional, and spatial information, amino acid conservation, physicochemical variation, residue mobility, and thermodynamic stability) indicates that this missense variant is expected to disrupt DSC2 protein function with a positive predictive value of 80%. In summary, the available evidence is currently insufficient to determine the role of this variant in disease. Therefore, it has been classified as a Variant of Uncertain Significance.

All of Us Research Program, National Institutes of Health
Classification: Uncertain significance for Familial isolated arrhythmogenic right ventricular dysplasia. Last evaluated: 2024-09-11. Review status: criteria provided, single submitter. Criteria: ACMG Guidelines, 2015. Collection method: clinical testing. Allele origin: germline. Inheritance: Autosomal dominant inheritance. Observed: 10 variant alleles, 10 heterozygotes.
Comment: This missense variant replaces aspartic acid with glutamic acid at codon 569 of the DSC2 protein. Computational prediction suggests that this variant may not impact protein structure and function (internally defined REVEL score threshold <= 0.5, PMID: 27666373). To our knowledge, functional studies have not been reported for this variant. This variant has been reported in an individual affected with arrhythmogenic right ventricular cardiomyopathy (Hou et al., 2018). This variant has also been identified in 11/250896 chromosomes in the general population by the Genome Aggregation Database (gnomAD). The available evidence is insufficient to determine the role of this variant in disease conclusively. Therefore, this variant is classified as a Variant of Uncertain Significance.

This study involves interpretation of variants in research participants for the purpose of population health screening. Participant phenotype was not available at the time of variant classification. Additional details can be found in publication PMID: 35346344, PMCID: PMC8962531

Color Diagnostics, LLC DBA Color Health
Classification: Uncertain significance for Cardiomyopathy. Last evaluated: 2024-01-26. Review status: criteria provided, single submitter. Criteria: ACMG Guidelines, 2015. Collection method: clinical testing. Allele origin: germline.
Comment: This missense variant replaces aspartic acid with glutamic acid at codon 569 of the DSC2 protein. Computational prediction suggests that this variant may not impact protein structure and function (internally defined REVEL score threshold <= 0.5, PMID: 27666373). To our knowledge, functional studies have not been reported for this variant. This variant has been reported in an individual affected with arrhythmogenic right ventricular cardiomyopathy (Hou et al., 2018). This variant has also been identified in 11/250896 chromosomes in the general population by the Genome Aggregation Database (gnomAD). The available evidence is insufficient to determine the role of this variant in disease conclusively. Therefore, this variant is classified as a Variant of Uncertain Significance.

GeneDx
Classification: Uncertain significance. Last evaluated: 2023-09-22. Review status: criteria provided, single submitter. Criteria: GeneDx Variant Classification Process June 2021. Collection method: clinical testing. Allele origin: germline. Affected: yes.
Comment: Has not been previously published in association with arrhythmia phenotype to our knowledge; In silico analysis supports that this missense variant has a deleterious effect on protein structure/function; This variant is associated with the following publications: (PMID: 31980526, 23861362)

Ambry Genetics
Classification: Likely benign for Cardiovascular phenotype. Last evaluated: 2023-01-03. Review status: criteria provided, single submitter. Criteria: Ambry Variant Classification Scheme 2023. Collection method: clinical testing. Allele origin: germline.

ARUP Laboratories, Molecular Genetics and Genomics, ARUP Laboratories
Classification: Uncertain significance. Last evaluated: 2022-04-04. Review status: criteria provided, single submitter. Criteria: ARUP Molecular Germline Variant Investigation Process 2021. Collection method: clinical testing. Allele origin: germline.
Comment: The DSC2 c.1707C>A; p.Asp569Glu variant (rs201517977) is reported in the literature in an individual in a WES cohort study without corresponding cardiomyopathy phenotype (Hou 2020). This variant is also reported in ClinVar (Variation ID: 191621) and is found in non-Finnish European population with an allele frequency of 0.01% (11/113396 alleles) in the Genome Aggregation Database. The aspartic acid at codon 569 is highly conserved, but computational analyses are uncertain whether this variant is neutral or deleterious (REVEL: 0.485). Due to limited information, the clinical significance of the p.Asp569Glu variant is uncertain at this time.

Biesecker Lab/Clinical Genomics Section, National Institutes of Health
Classification: Uncertain significance. Last evaluated: 2013-06-24. Review status: criteria provided, single submitter. Criteria: Ng et al. (Circ Cardiovasc Genet. 2013). Collection method: research. Allele origin: unknown. Observed: 1 variant allele. Study: ClinSeq.
Comment: The study set was not selected for affection status in relation to any cancer. Pathogenicity categories were based on literature curation. See Pubmed ID:23861362 for details.

Medical sequencing

Literature cited by the submitters: PubMed 23861362 (cited by Ambry Genetics); PubMed 31980526 (cited by Ambry Genetics).

NM_024422.6(DSC2):c.1707C>A (p.Asp569Glu)

Gene: DSC2 (desmocollin 2; minus strand). Cytogenetic location: 18q12.1.
Variant type: single nucleotide variant.
Coding change: c.1707C>A on transcript NM_024422.6 (MANE Select); coding-DNA position 1707, C replaced by A.
Protein change: p.Asp569Glu; replaces aspartic acid 569 with glutamic acid.
Molecular consequence: missense variant.
Genome position (GRCh38, 1-based): chr18:31,074,864, G>T on the plus strand (C>A on the coding strand, the complement: DSC2 is on the minus strand). VCF-style: chr18-31074864-G-T. GRCh37 (hg19) VCF-style: chr18-28654830-G-T.
Other names: c.1707C>A, p.Asp569Glu (NM_004949.5); short protein forms D569E.
Identifiers: ClinVar variation 191621 (VCV000191621.24), dbSNP rs201517977, ClinGen allele CA022531.